The following is an entry in ClinVar:

NM_020184.4(CNNM4):c.591C>T (p.Gly197=)

Gene: CNNM4 (cyclin and CBS domain divalent metal cation transport mediator 4; plus strand). Cytogenetic location: 2q11.2.
Variant type: single nucleotide variant.
Coding change: c.591C>T on transcript NM_020184.4 (MANE Select); coding-DNA position 591, C replaced by T.
Protein change: p.Gly197=; no amino-acid change (glycine 197 retained).
Molecular consequence: synonymous variant.
Genome position (GRCh38, 1-based): chr2:96,761,590, C>T. VCF-style: chr2-96761590-C-T. GRCh37 (hg19) VCF-style: chr2-97427327-C-T.
Identifiers: ClinVar variation 337583 (VCV000337583.40), dbSNP rs35633391, ClinGen allele CA1783233.

ClinVar aggregate classification (germline): Conflicting classifications of pathogenicity. Review status: criteria provided, conflicting classifications (1 of 4 stars). 5 submissions from 5 submitters: Uncertain significance (1); Benign (1); Likely benign (2). 1 of the submissions does not count toward it. Last evaluated 2026-01-19.

Conditions:
Jalili syndrome. Also called: CONE-ROD DYSTROPHY AND AMELOGENESIS IMPERFECTA. Identifiers: Orphanet 1873, MedGen C3495589, MONDO:0009007, OMIM 217080.
CNNM4-related disorder. Also called: CNNM4-related condition.

Allele frequency attached by ClinVar (database versions not stated): 1000 Genomes Project 30x 0.00016; 1000 Genomes Project 0.00020; TOPMed 0.00039; gnomAD exomes 0.00042 and 0.00056; gnomAD 0.00043 and 0.00045; ExAC 0.00046; ESP Exome Variant Server 0.00100.
gnomAD v4.1: 709 of 1,614,152 alleles (0.044%); highest among the groups gnomAD compares: Middle Eastern, 0.049%; 2 homozygotes.

Submissions (7):

Labcorp Genetics (formerly Invitae), Labcorp
Classification: Benign. Last evaluated: 2026-01-19. Review status: criteria provided, single submitter. Criteria: Invitae Variant Classification Sherloc (09022015). Collection method: clinical testing. Allele origin: germline.

Blueprint Genetics
Classification: Likely benign. Last evaluated: 2024-11-15. Review status: criteria provided, single submitter. Criteria: ACMG Guidelines, 2015. Collection method: clinical testing. Allele origin: germline.

CeGaT Center for Human Genetics Tuebingen
Classification: Likely benign. Last evaluated: 2023-07-01. Review status: criteria provided, single submitter. Criteria: CeGaT Center For Human Genetics Tuebingen Variant Classification Criteria Version 2. Collection method: clinical testing. Allele origin: germline. Affected: yes. Observed: 1 variant allele.
Comment: CNNM4: BP4, BP7

Illumina Laboratory Services, Illumina
Classification: Uncertain significance for Jalili syndrome. Last evaluated: 2018-01-12. Review status: criteria provided, single submitter. Criteria: ICSL Variant Classification Criteria 13 December 2019. Collection method: clinical testing. Allele origin: germline.

PreventionGenetics, part of Exact Sciences
Classification: Benign for CNNM4-related condition. Last evaluated: 2019-06-05. Review status: no assertion criteria provided. Collection method: clinical testing. Allele origin: germline. Not counted in ClinVar's aggregate classification.
Comment: This variant is classified as benign based on ACMG/AMP sequence variant interpretation guidelines (Richards et al. 2015 PMID: 25741868, with internal and published modifications).

Dr. Peter K. Rogan Lab, Western University
No classification provided (evidence only). Condition: Sarcoma. Review status: no classification provided. Collection method: in vitro. Allele origin: not applicable. Functional consequence: retained intron. Not counted in ClinVar's aggregate classification.

Dr. Peter K. Rogan Lab, Western University
No classification provided (evidence only). Condition: Malignant tumor of esophagus. Review status: no classification provided. Collection method: in vitro. Allele origin: not applicable. Functional consequence: retained intron. Not counted in ClinVar's aggregate classification.